The following is an entry in ClinVar:

ClinVar aggregate classification (germline): Uncertain significance (1 of 4 stars; one submission).

Submission:

Labcorp Genetics (formerly Invitae), Labcorp
Classification: Uncertain significance. Last evaluated: 2023-10-03. Review status: criteria provided, single submitter. Criteria: Invitae Variant Classification Sherloc (09022015). Collection method: clinical testing. Allele origin: germline.
Comment: This sequence change replaces arginine with glycine at codon 190 of the POC5 protein (p.Arg190Gly). This variant is not present in population databases (gnomAD no frequency). This variant has not been reported in the literature in individuals affected with POC5-related conditions. ClinVar contains an entry for this variant (Variation ID: 1483125). An algorithm developed to predict the effect of missense changes on protein structure and function (PolyPhen-2) suggests that this variant is likely to be tolerated. In summary, the available evidence is currently insufficient to determine the role of this variant in disease. Therefore, it has been classified as a Variant of Uncertain Significance.

NM_001099271.2(POC5):c.568C>G (p.Arg190Gly)

Gene: POC5 (POC5 centriolar protein; minus strand). Cytogenetic location: 5q13.3.
Variant type: single nucleotide variant.
Coding change: c.568C>G on transcript NM_001099271.2 (MANE Select); coding-DNA position 568, C replaced by G.
Protein change: p.Arg190Gly; replaces arginine 190 with glycine.
Molecular consequence: missense variant.
Genome position (GRCh38, 1-based): chr5:75,694,777, G>C on the plus strand (C>G on the coding strand, the complement: POC5 is on the minus strand). VCF-style: chr5-75694777-G-C. GRCh37 (hg19) VCF-style: chr5-74990602-G-C.
Other names: c.493C>G, p.Arg165Gly (NM_152408.3); short protein forms R165G, R190G.
Identifiers: ClinVar variation 1483125 (VCV001483125.6), dbSNP rs1393849630, ClinGen allele CA360148289.